The following is an entry in ClinVar:

NM_004260.4(RECQL4):c.1969G>A (p.Ala657Thr)

Gene: RECQL4 (RecQ like helicase 4; minus strand). Cytogenetic location: 8q24.3.
Variant type: single nucleotide variant.
Coding change: c.1969G>A on transcript NM_004260.4 (MANE Select); coding-DNA position 1969, G replaced by A.
Protein change: p.Ala657Thr; replaces alanine 657 with threonine.
Molecular consequence: missense variant.
Genome position (GRCh38, 1-based): chr8:144,514,017, C>T on the plus strand (G>A on the coding strand, the complement: RECQL4 is on the minus strand). VCF-style: chr8-144514017-C-T. GRCh37 (hg19) VCF-style: chr8-145739401-C-T.
Other names: short protein forms A657T.
Identifiers: ClinVar variation 529025 (VCV000529025.9), dbSNP rs993147176, ClinGen allele CA372680394.

ClinVar aggregate classification (germline): Uncertain significance. Review status: criteria provided, multiple submitters, no conflicts (2 of 4 stars). 2 submissions from 2 submitters: Uncertain significance (2). Last evaluated 2025-10-13.

Conditions:
Inborn genetic diseases. Identifiers: MedGen C0950123, MeSH D030342.
Baller-Gerold syndrome (BGS). Also called: CRANIOSYNOSTOSIS WITH RADIAL DEFECTS. Identifiers: Orphanet 1225, MedGen C0265308, MONDO:0009039, OMIM 218600.

Allele frequency attached by ClinVar (database versions not stated): gnomAD 0.00002; gnomAD exomes 0.00002; TOPMed 0.00002.

Submissions (2):

Labcorp Genetics (formerly Invitae), Labcorp
Classification: Uncertain significance for Baller-Gerold syndrome. Last evaluated: 2025-10-13. Review status: criteria provided, single submitter. Criteria: Invitae Variant Classification Sherloc (09022015). Collection method: clinical testing. Allele origin: germline.
Comment: This sequence change replaces alanine with threonine at codon 657 of the RECQL4 protein (p.Ala657Thr). The alanine residue is moderately conserved and there is a small physicochemical difference between alanine and threonine. This variant is present in population databases (no rsID available, gnomAD 0.01%). This variant has not been reported in the literature in individuals affected with RECQL4-related conditions. ClinVar contains an entry for this variant (Variation ID: 529025). Invitae Evidence Modeling of protein sequence and biophysical properties (such as structural, functional, and spatial information, amino acid conservation, physicochemical variation, residue mobility, and thermodynamic stability) indicates that this missense variant is not expected to disrupt RECQL4 protein function with a negative predictive value of 80%. In summary, the available evidence is currently insufficient to determine the role of this variant in disease. Therefore, it has been classified as a Variant of Uncertain Significance.

Ambry Genetics
Classification: Uncertain significance for Inborn genetic diseases. Last evaluated: 2025-01-16. Review status: criteria provided, single submitter. Criteria: Ambry Variant Classification Scheme 2023. Collection method: clinical testing. Allele origin: germline.
Comment: The p.A657T variant (also known as c.1969G>A), located in coding exon 12 of the RECQL4 gene, results from a G to A substitution at nucleotide position 1969. The alanine at codon 657 is replaced by threonine, an amino acid with similar properties. This amino acid position is conserved. In addition, this alteration is predicted to be tolerated by in silico analysis. Based on the available evidence, the clinical significance of this variant remains unclear.